The following is an entry in ClinVar:

NM_006648.4(WNK2):c.277C>T (p.Pro93Ser)

Gene: WNK2 (WNK lysine deficient protein kinase 2; plus strand). Cytogenetic location: 9q22.31.
Variant type: single nucleotide variant.
Coding change: c.277C>T on transcript NM_006648.4 (MANE Select); coding-DNA position 277, C replaced by T.
Protein change: p.Pro93Ser; replaces proline 93 with serine.
Molecular consequence: missense variant.
Genome position (GRCh38, 1-based): chr9:93,185,206, C>T. VCF-style: chr9-93185206-C-T. GRCh37 (hg19) VCF-style: chr9-95947488-C-T.
Other names: c.277C>T, p.Pro93Ser (NM_001282394.3); short protein forms P93S.
Identifiers: ClinVar variation 3982034 (VCV003982034.1).

ClinVar aggregate classification (germline): Uncertain significance (1 of 4 stars; one submission).

Submission:

Ambry Genetics
Classification: Uncertain significance. Last evaluated: 2025-05-15. Review status: criteria provided, single submitter. Criteria: Ambry Variant Classification Scheme 2023. Collection method: clinical testing. Allele origin: germline.
Comment: The p.P93S variant (also known as c.277C>T), located in coding exon 1 of the WNK2 gene, results from a C to T substitution at nucleotide position 277. The proline at codon 93 is replaced by serine, an amino acid with similar properties. This amino acid position is conserved. In addition, this alteration is predicted to be tolerated by in silico analysis. Based on the available evidence, the clinical significance of this variant remains unclear.